The following is an entry in ClinVar:

ClinVar aggregate classification (germline): Uncertain significance (1 of 4 stars; one submission).

Submission:

GeneDx
Classification: Uncertain significance. Last evaluated: 2022-11-14. Review status: criteria provided, single submitter. Criteria: GeneDx Variant Classification Process June 2021. Collection method: clinical testing. Allele origin: germline. Affected: yes.
Comment: Not observed at significant frequency in large population cohorts (gnomAD); In silico analysis supports that this missense variant does not alter protein structure/function; Has not been previously published as pathogenic or benign to our knowledge

NM_001123385.2(BCOR):c.4017G>C (p.Glu1339Asp)

Gene: BCOR (BCL6 corepressor; minus strand). Cytogenetic location: Xp11.4.
Variant type: single nucleotide variant.
Coding change: c.4017G>C on transcript NM_001123385.2 (MANE Select); coding-DNA position 4017, G replaced by C.
Protein change: p.Glu1339Asp; replaces glutamic acid 1339 with aspartic acid.
Molecular consequence: missense variant.
Genome position (GRCh38, 1-based): chrX:40,062,902, C>G on the plus strand (G>C on the coding strand, the complement: BCOR is on the minus strand). VCF-style: chrX-40062902-C-G. GRCh37 (hg19) VCF-style: chrX-39922155-C-G.
Other names: c.3915G>C, p.Glu1305Asp (NM_001123383.2, NM_017745.6); c.3861G>C, p.Glu1287Asp (NM_001123384.2); short protein forms E1287D, E1305D, E1339D.
Identifiers: ClinVar variation 1723669 (VCV001723669.2), dbSNP rs2519597556, ClinGen allele CA412736827.